The following is an entry in ClinVar:

NM_001267550.2(TTN):c.33910+1G>T

Gene: TTN (titin; minus strand). Cytogenetic location: 2q31.2.
Variant type: single nucleotide variant.
Coding change: c.33910+1G>T on transcript NM_001267550.2 (MANE Select); the canonical splice donor site of the intron after coding-DNA position 33910, G replaced by T.
Molecular consequence: splice donor variant. On other transcripts: intron variant (3).
Genome position (GRCh38, 1-based): chr2:178,678,413, C>A on the plus strand (G>T on the coding strand, the complement: TTN is on the minus strand). VCF-style: chr2-178678413-C-A. GRCh37 (hg19) VCF-style: chr2-179543140-C-A.
Other names: c.13283-36096G>T (NM_003319.4); c.13859-36096G>T (NM_133437.4); c.13658-36096G>T (NM_133432.3); c.30178+1G>T (NM_133378.4); c.32959+1G>T (NM_001256850.1).
Identifiers: ClinVar variation 850880 (VCV000850880.12), dbSNP rs893407745, ClinGen allele CA60982643.

ClinVar aggregate classification (germline): Likely pathogenic (1 of 4 stars; one submission).

Conditions:
Autosomal recessive limb-girdle muscular dystrophy type 2J (LGMDR10). Also called: MUSCULAR DYSTROPHY, LIMB-GIRDLE, AUTOSOMAL RECESSIVE 10; Limb-girdle muscular dystrophy, type 2J. Identifiers: Orphanet 140922, MedGen C1837342, MONDO:0012127, OMIM 608807.
Dilated cardiomyopathy 1G (CMD1G). Identifiers: Orphanet 154, MedGen C1858763, MONDO:0011400, OMIM 604145.

Allele frequency attached by ClinVar (database versions not stated): gnomAD exomes below 0.00001; TOPMed below 0.00001; gnomAD 0.00001.
gnomAD v4.1: 6 of 1,582,360 alleles (0.00038%); highest among the groups gnomAD compares: African/African-American, 0.0081%; no homozygotes.

Submission:

Labcorp Genetics (formerly Invitae), Labcorp
Classification: Likely pathogenic for Dilated cardiomyopathy 1G; Autosomal recessive limb-girdle muscular dystrophy type 2J. Last evaluated: 2025-02-06. Review status: criteria provided, single submitter. Criteria: Invitae Variant Classification Sherloc (09022015). Collection method: clinical testing. Allele origin: germline.
Comment: This sequence change affects a donor splice site in intron 144 of the TTN gene. It is expected to disrupt RNA splicing and likely results in a truncated or disrupted TTN protein. The frequency data for this variant in the population databases is considered unreliable, as metrics indicate poor data quality at this position in the gnomAD database. This variant has not been observed in the literature in individuals with autosomal recessive TTN-related conditions. This variant has been reported in individual(s) with dilated cardiomyopathy (PMID: 30847666; internal data); however, the role of the variant in this condition is currently unclear. This variant is also known as c.30178+1G>T. ClinVar contains an entry for this variant (Variation ID: 850880). Algorithms developed to predict the effect of sequence changes on RNA splicing suggest that this variant may disrupt the consensus splice site. This variant is located in the I band of TTN (PMID: 25589632). Truncating variants in this region have been reported in individuals affected with autosomal recessive centronuclear myopathy (PMID: 23975875, internal data). Truncating variants in this region have also been identified in individuals affected with autosomal dominant dilated cardiomyopathy and/or cardio-related conditions (PMID: 27869827, 32964742, internal data). In summary, the currently available evidence indicates that the variant is pathogenic, but additional data are needed to prove that conclusively. Therefore, this variant has been classified as Likely Pathogenic.

Literature cited by the submitters: PubMed 30847666; PubMed 25589632; PubMed 23975875; PubMed 27869827; PubMed 32964742.